The following is an entry in ClinVar:

NM_002485.5(NBN):c.604G>A (p.Glu202Lys)

Gene: NBN (nibrin; minus strand). Cytogenetic location: 8q21.3.
Variant type: single nucleotide variant.
Coding change: c.604G>A on transcript NM_002485.5 (MANE Select); coding-DNA position 604, G replaced by A.
Protein change: p.Glu202Lys; replaces glutamic acid 202 with lysine.
Molecular consequence: missense variant.
Genome position (GRCh38, 1-based): chr8:89,971,271, C>T on the plus strand (G>A on the coding strand, the complement: NBN is on the minus strand). VCF-style: chr8-89971271-C-T. GRCh37 (hg19) VCF-style: chr8-90983499-C-T.
Other names: c.358G>A, p.Glu120Lys (NM_001024688.3); short protein forms E202K, E120K.
Identifiers: ClinVar variation 964694 (VCV000964694.10), dbSNP rs1811506628, ClinGen allele CA371659306.

ClinVar aggregate classification (germline): Uncertain significance. Review status: criteria provided, multiple submitters, no conflicts (2 of 4 stars). 2 submissions from 2 submitters: Uncertain significance (2). Last evaluated 2024-09-12.

Conditions:
Microcephaly, normal intelligence and immunodeficiency (NBS). Also called: Nijmegen breakage syndrome; Microcephaly with normal intelligence immunodeficiency and lymphoreticular malignancies; Nonsyndromal microcephaly autosomal recessive with normal intelligence; Seemanova syndrome 2; IMMUNODEFICIENCY, MICROCEPHALY, AND CHROMOSOMAL INSTABILITY; Ataxia telangiectasia variant V1. Identifiers: Orphanet 647, MedGen C0398791, MONDO:0009623, OMIM 251260.
Hereditary cancer-predisposing syndrome. Also called: Hereditary neoplastic syndrome; Hereditary Cancer Syndrome; Tumor predisposition; Neoplastic Syndromes, Hereditary. Identifiers: Orphanet 140162, MedGen C0027672, MeSH D009386, MONDO:0015356.

Allele frequency attached by ClinVar (database versions not stated): gnomAD exomes below 0.00001.

Submissions (2):

Ambry Genetics
Classification: Uncertain significance for Hereditary cancer-predisposing syndrome. Last evaluated: 2024-09-12. Review status: criteria provided, single submitter. Criteria: Ambry Variant Classification Scheme 2023. Collection method: clinical testing. Allele origin: germline.
Comment: The p.E202K variant (also known as c.604G>A), located in coding exon 6 of the NBN gene, results from a G to A substitution at nucleotide position 604. The glutamic acid at codon 202 is replaced by lysine, an amino acid with similar properties. This amino acid position is conserved. In addition, this alteration is predicted to be deleterious by in silico analysis. Since supporting evidence is limited at this time, the clinical significance of this alteration remains unclear.

Labcorp Genetics (formerly Invitae), Labcorp
Classification: Uncertain significance for Microcephaly, normal intelligence and immunodeficiency. Last evaluated: 2021-08-20. Review status: criteria provided, single submitter. Criteria: Invitae Variant Classification Sherloc (09022015). Collection method: clinical testing. Allele origin: germline.
Comment: This sequence change replaces glutamic acid with lysine at codon 202 of the NBN protein (p.Glu202Lys). The glutamic acid residue is highly conserved and there is a small physicochemical difference between glutamic acid and lysine. This variant is not present in population databases (ExAC no frequency). This variant has not been reported in the literature in individuals affected with NBN-related conditions. Algorithms developed to predict the effect of missense changes on protein structure and function are either unavailable or do not agree on the potential impact of this missense change (SIFT: "Deleterious"; PolyPhen-2: "Probably Damaging"; Align-GVGD: "Class C0"). In summary, the available evidence is currently insufficient to determine the role of this variant in disease. Therefore, it has been classified as a Variant of Uncertain Significance.